The following is an entry in ClinVar:

ClinVar aggregate classification (germline): Uncertain significance (1 of 4 stars; one submission).

Conditions:
Neutral lipid storage myopathy (NLSDM). Also called: NEUTRAL LIPID STORAGE DISEASE WITHOUT ICHTHYOSIS. Identifiers: Orphanet 98908, MedGen C1853136, MONDO:0012545, OMIM 610717.

Allele frequency attached by ClinVar (database versions not stated): gnomAD exomes below 0.00001 and 0.00001.

Submission:

Labcorp Genetics (formerly Invitae), Labcorp
Classification: Uncertain significance for Neutral lipid storage myopathy. Last evaluated: 2019-11-26. Review status: criteria provided, single submitter. Criteria: Invitae Variant Classification Sherloc (09022015). Collection method: clinical testing. Allele origin: germline.
Comment: This sequence change falls in intron 7 of the PNPLA2 gene. It does not directly change the encoded amino acid sequence of the PNPLA2 protein, but it affects a nucleotide within the consensus splice site of the intron. In summary, the available evidence is currently insufficient to determine the role of this variant in disease. Therefore, it has been classified as a Variant of Uncertain Significance. Nucleotide substitutions within the consensus splice site are a relatively common cause of aberrant splicing (PMID: 17576681, 9536098). Algorithms developed to predict the effect of sequence changes on RNA splicing suggest that this variant is not likely to affect RNA splicing, but this prediction has not been confirmed by published transcriptional studies. This variant has not been reported in the literature in individuals with PNPLA2-related conditions. This variant is not present in population databases (ExAC no frequency).

Literature cited by the submitters: PubMed 17576681; PubMed 9536098.

NM_020376.4(PNPLA2):c.919+3G>A

Gene: PNPLA2 (patatin like domain 2, triacylglycerol lipase; plus strand). Cytogenetic location: 11p15.5.
Variant type: single nucleotide variant.
Coding change: c.919+3G>A on transcript NM_020376.4 (MANE Select); 3 bases into the intron after coding-DNA position 919, G replaced by A.
Molecular consequence: intron variant.
Genome position (GRCh38, 1-based): chr11:823,858, G>A. VCF-style: chr11-823858-G-A. GRCh37 (hg19) VCF-style: chr11-823858-G-A.
Identifiers: ClinVar variation 843225 (VCV000843225.7), dbSNP rs1467705745, ClinGen allele CA472441120.